The following is an entry in ClinVar:

ClinVar aggregate classification (germline): Uncertain significance (1 of 4 stars; one submission).

Conditions:
Charcot-Marie-Tooth disease dominant intermediate E. Also called: CHARCOT-MARIE-TOOTH NEUROPATHY WITH FOCAL SEGMENTAL GLOMERULONEPHRITIS. Identifiers: Orphanet 93114, MedGen C4302667, MONDO:0013758, OMIM 614455.
Focal segmental glomerulosclerosis 5 (FSGS5). Identifiers: Orphanet 656, MedGen C2750475, MONDO:0013191, OMIM 613237.

Submission:

Labcorp Genetics (formerly Invitae), Labcorp
Classification: Uncertain significance for Charcot-Marie-Tooth disease dominant intermediate E; Focal segmental glomerulosclerosis 5. Last evaluated: 2022-09-21. Review status: criteria provided, single submitter. Criteria: Invitae Variant Classification Sherloc (09022015). Collection method: clinical testing. Allele origin: germline.
Comment: This variant is not present in population databases (gnomAD no frequency). This sequence change replaces aspartic acid, which is acidic and polar, with tyrosine, which is neutral and polar, at codon 1171 of the INF2 protein (p.Asp1171Tyr). In summary, the available evidence is currently insufficient to determine the role of this variant in disease. Therefore, it has been classified as a Variant of Uncertain Significance. Advanced modeling of protein sequence and biophysical properties (such as structural, functional, and spatial information, amino acid conservation, physicochemical variation, residue mobility, and thermodynamic stability) performed at Invitae indicates that this missense variant is not expected to disrupt INF2 protein function. This variant has not been reported in the literature in individuals affected with INF2-related conditions.

NM_022489.4(INF2):c.3511G>T (p.Asp1171Tyr)

Gene: INF2 (inverted formin 2; plus strand). Cytogenetic location: 14q32.33.
Variant type: single nucleotide variant.
Coding change: c.3511G>T on transcript NM_022489.4 (MANE Select); coding-DNA position 3511, G replaced by T.
Protein change: p.Asp1171Tyr; replaces aspartic acid 1171 with tyrosine.
Molecular consequence: missense variant.
Genome position (GRCh38, 1-based): chr14:104,714,673, G>T. VCF-style: chr14-104714673-G-T. GRCh37 (hg19) VCF-style: chr14-105181010-G-T.
Other names: c.3511G>T, p.Asp1171Tyr (NM_001031714.4); short protein forms D1171Y.
Identifiers: ClinVar variation 1915907 (VCV001915907.5), dbSNP rs764738599, ClinGen allele CA391224939.